The following is an entry in ClinVar:

NM_001260.3(CDK8):c.997C>T (p.Pro333Ser)

Gene: CDK8 (cyclin dependent kinase 8; plus strand). Cytogenetic location: 13q12.13.
Variant type: single nucleotide variant.
Coding change: c.997C>T on transcript NM_001260.3 (MANE Select); coding-DNA position 997, C replaced by T.
Protein change: p.Pro333Ser; replaces proline 333 with serine.
Molecular consequence: missense variant.
Genome position (GRCh38, 1-based): chr13:26,400,516, C>T. VCF-style: chr13-26400516-C-T. GRCh37 (hg19) VCF-style: chr13-26974653-C-T.
Other names: c.997C>T, p.Pro333Ser (NM_001318368.2); c.478C>T, p.Pro160Ser (NM_001346501.2); short protein forms P160S, P333S.
Identifiers: ClinVar variation 3906767 (VCV003906767.1).
Genomic context (GRCh38, chr13:26,400,516, plus strand): 5'-CAGAAGCTGCTTACCATGGACCCAATAAAGCGAATTACCTCAGAACAGGCTATGCAGGAC[C>T]CCTATTTCTTAGAAGACCCACTTCCTACATCAGAGTAAGTGGCCTAGTTGGTTAACTCAT-3'
Protein context (NP_001251.1, residues 323-343): RITSEQAMQD[Pro333Ser]YFLEDPLPTS

ClinVar aggregate classification (germline): Uncertain significance (1 of 4 stars; one submission).

Submission:

GeneDx
Classification: Uncertain significance. Last evaluated: 2024-12-18. Review status: criteria provided, single submitter. Criteria: GeneDx Variant Classification Process June 2021. Collection method: clinical testing. Allele origin: germline. Affected: yes.
Comment: Not observed at significant frequency in large population cohorts (gnomAD); In silico analysis supports that this missense variant has a deleterious effect on protein structure/function; Has not been previously published as pathogenic or benign to our knowledge